The following is an entry in ClinVar:

NC_000017.11:g.(?_61857048)_(61861549_?)del

Gene: BRIP1 (BRCA1 interacting DNA helicase 1; minus strand). Cytogenetic location: 17q23.2.
Variant type: Deletion.
Identifiers: ClinVar variation 651816 (VCV000651816.3).

ClinVar aggregate classification (germline): Pathogenic (1 of 4 stars; one submission).

Conditions:
Familial cancer of breast. Also called: hereditary breast carcinoma; BREAST CANCER, FAMILIAL; Hereditary breast cancer. Identifiers: Orphanet 227535, MedGen C0346153, MONDO:0016419, OMIM 114480. Disease mechanism: loss of function.
Fanconi anemia complementation group J. Also called: BRIP1-Related Fanconi Anemia. Identifiers: Orphanet 84, MedGen C1836860, MONDO:0012187, OMIM 609054.

Submission:

Labcorp Genetics (formerly Invitae), Labcorp
Classification: Pathogenic for Hereditary Breast Carcinoma; Fanconi anemia, complementation group J. Last evaluated: 2019-06-06. Review status: criteria provided, single submitter. Criteria: Invitae Variant Classification Sherloc (09022015). Collection method: clinical testing. Allele origin: germline.
Comment: This variant is a gross deletion of the genomic region encompassing exons 2-4 of the BRIP1 gene, which includes the initiator codon. The 5' end of this event is unknown as it extends beyond the assayed region for this gene and therefore may encompass additional genes. The 3' boundary is likely confined to intron 4 of the BRIP1 gene. This is expected to result in an absent or disrupted protein product. Deletions of BRIP11 exons 2-4 have not been reported in the literature in individuals with BRIP1-related disease. Loss-of-function variants in BRIP1 are known to be pathogenic (PMID: 16116423, 17033622, 21964575). For these reasons, this variant has been classified as Pathogenic.